The following is an entry in ClinVar:

NM_176869.3(PPA2):c.128C>T (p.Pro43Leu)

Gene: PPA2 (inorganic pyrophosphatase 2; minus strand). Cytogenetic location: 4q24.
Variant type: single nucleotide variant.
Coding change: c.128C>T on transcript NM_176869.3 (MANE Select); coding-DNA position 128, C replaced by T.
Protein change: p.Pro43Leu; replaces proline 43 with leucine.
Molecular consequence: missense variant.
Genome position (GRCh38, 1-based): chr4:105,473,923, G>A on the plus strand (C>T on the coding strand, the complement: PPA2 is on the minus strand). VCF-style: chr4-105473923-G-A. GRCh37 (hg19) VCF-style: chr4-106395080-G-A.
Other names: c.128C>T, p.Pro43Leu (NM_006903.4, NM_176866.2, NM_176867.3); short protein forms P43L.
Identifiers: ClinVar variation 1936257 (VCV001936257.2), dbSNP rs776544024, ClinGen allele CA3032843.

ClinVar aggregate classification (germline): Uncertain significance (1 of 4 stars; one submission).

Allele frequency attached by ClinVar (database versions not stated): gnomAD exomes 0.00005; ExAC 0.00006.
gnomAD v4.1: 30 of 1,607,674 alleles (0.0019%); highest among the groups gnomAD compares: Non-Finnish European, 0.0006%; no homozygotes.

Submission:

Labcorp Genetics (formerly Invitae), Labcorp
Classification: Uncertain significance. Last evaluated: 2022-03-11. Review status: criteria provided, single submitter. Criteria: Invitae Variant Classification Sherloc (09022015). Collection method: clinical testing. Allele origin: germline.
Comment: This sequence change replaces proline, which is neutral and non-polar, with leucine, which is neutral and non-polar, at codon 43 of the PPA2 protein (p.Pro43Leu). This variant is present in population databases (rs776544024, gnomAD 0.05%). This variant has not been reported in the literature in individuals affected with PPA2-related conditions. Algorithms developed to predict the effect of missense changes on protein structure and function output the following: SIFT: "Tolerated"; PolyPhen-2: "Benign"; Align-GVGD: "Class C0". The leucine amino acid residue is found in multiple mammalian species, which suggests that this missense change does not adversely affect protein function. In summary, the available evidence is currently insufficient to determine the role of this variant in disease. Therefore, it has been classified as a Variant of Uncertain Significance.